The following is an entry in ClinVar:

NM_000388.4(CASR):c.2641T>C (p.Phe881Leu)

Gene: CASR (calcium sensing receptor; plus strand). Cytogenetic location: 3q21.1.
Variant type: single nucleotide variant.
Coding change: c.2641T>C on transcript NM_000388.4 (MANE Select); coding-DNA position 2641, T replaced by C.
Protein change: p.Phe881Leu; replaces phenylalanine 881 with leucine.
Molecular consequence: missense variant.
Genome position (GRCh38, 1-based): chr3:122,284,595, T>C. VCF-style: chr3-122284595-T-C. GRCh37 (hg19) VCF-style: chr3-122003442-T-C.
Other names: c.2671T>C, p.Phe891Leu (NM_001178065.2); short protein forms F881L, F891L.
Identifiers: ClinVar variation 8340 (VCV000008340.2), dbSNP rs104893704, ClinGen allele CA119515.

ClinVar aggregate classification (germline): Likely pathogenic. Review status: criteria provided, single submitter (1 of 4 stars). 2 submissions from 2 submitters: Likely pathogenic (1). 1 of the submissions does not count toward it. Last evaluated 2019-12-12.

Conditions:
Familial hypocalciuric hypercalcemia 1. Also called: Hypercalcemia, familial benign type 1. Identifiers: Orphanet 405, Orphanet 93372, MedGen C0342637, MONDO:0007791, OMIM 145980.
Familial hypocalciuric hypercalcemia (FHH). Also called: Familial benign hypercalcemia. Identifiers: Orphanet 405, MedGen C1809471, MONDO:0018458.
Autosomal dominant hypocalcemia 1 (HYPOC1). Also called: HYPOCALCEMIA, FAMILIAL. Identifiers: MedGen C3715128, MONDO:0011013, OMIM 601198.

Submissions (2):

Labcorp Genetics (formerly Invitae), Labcorp
Classification: Likely pathogenic for Familial hypocalciuric hypercalcemia; Hypocalcemia, autosomal dominant 1. Last evaluated: 2019-12-12. Review status: criteria provided, single submitter. Criteria: Invitae Variant Classification Sherloc (09022015). Collection method: clinical testing. Allele origin: germline.
Comment: This sequence change replaces phenylalanine with leucine at codon 881 of the CASR protein (p.Phe881Leu). The phenylalanine residue is highly conserved and there is a small physicochemical difference between phenylalanine and leucine. This variant is not present in population databases (ExAC no frequency). This variant has been observed in individual(s) with clinical features of familial hypocalciuric hypercalcemia (PMID: 10843194). It has also been observed to segregate with disease in related individuals. ClinVar contains an entry for this variant (Variation ID: 8340). Advanced modeling of protein sequence and biophysical properties (such as structural, functional, and spatial information, amino acid conservation, physicochemical variation, residue mobility, and thermodynamic stability) performed at Invitae indicates that this missense variant is expected to disrupt CASR protein function. In summary, the currently available evidence indicates that the variant is pathogenic, but additional data are needed to prove that conclusively. Therefore, this variant has been classified as Likely Pathogenic.

OMIM
Classification: Pathogenic for HYPOCALCIURIC HYPERCALCEMIA, FAMILIAL, TYPE I. Last evaluated: 2000-05-01. Review status: no assertion criteria provided. Collection method: literature only. Allele origin: germline. Not counted in ClinVar's aggregate classification.

Literature cited by the submitters: PubMed 10843194 (cited by Labcorp Genetics (formerly Invitae), Labcorp and OMIM).